The following is an entry in ClinVar:

ClinVar aggregate classification (germline): Uncertain significance (1 of 4 stars; one submission).

gnomAD v4.1: 3 of 1,516,182 alleles (0.0002%); highest among the groups gnomAD compares: African/African-American, 0.0028%; no homozygotes.

Submission:

GeneDx
Classification: Uncertain significance. Last evaluated: 2019-08-05. Review status: criteria provided, single submitter. Criteria: GeneDx Variant Classification Process June 2021. Collection method: clinical testing. Allele origin: germline. Affected: yes.
Comment: Not observed in large population cohorts (Lek et al., 2016); In silico analysis, which includes protein predictors and evolutionary conservation, supports a deleterious effect; Has not been previously published as pathogenic or benign to our knowledge

NM_017721.5(CC2D1A):c.23C>T (p.Pro8Leu)

Gene: CC2D1A (coiled-coil and C2 domain containing 1A; plus strand). Cytogenetic location: 19p13.12.
Variant type: single nucleotide variant.
Coding change: c.23C>T on transcript NM_017721.5 (MANE Select); coding-DNA position 23, C replaced by T.
Protein change: p.Pro8Leu; replaces proline 8 with leucine.
Molecular consequence: missense variant.
Genome position (GRCh38, 1-based): chr19:13,906,464, C>T. VCF-style: chr19-13906464-C-T. GRCh37 (hg19) VCF-style: chr19-14017277-C-T.
Other names: short protein forms P8L.
Identifiers: ClinVar variation 1307328 (VCV001307328.2), dbSNP rs2145276037, ClinGen allele CA404371712.